The following is an entry in ClinVar:

ClinVar aggregate classification (germline): Conflicting classifications of pathogenicity. Review status: criteria provided, conflicting classifications (1 of 4 stars). 4 submissions from 4 submitters: Uncertain significance (1); Likely benign (2). 1 of the submissions does not count toward it. Last evaluated 2025-10-18.

Conditions:
POLE-related disorder. Also called: POLE-related disorders; POLE-related condition.
Familial colorectal cancer type X. Identifiers: Orphanet 440437, MedGen C3896578, MONDO:0018604.
Polymerase proofreading-related adenomatous polyposis. Also called: Polymerase proofreading associated polyposis; Polymerase proofreading–associated polyposis (PPAP). Identifiers: Orphanet 447877, MedGen C5202613, MONDO:0018653.

Allele frequency attached by ClinVar (database versions not stated): gnomAD exomes 0.00001; gnomAD 0.00002 and 0.00003; TOPMed 0.00002.
gnomAD v4.1: 20 of 1,611,294 alleles (0.0012%); highest among the groups gnomAD compares: East Asian, 0.02%; no homozygotes.

Submissions (4):

Labcorp Genetics (formerly Invitae), Labcorp
Classification: Likely benign. Last evaluated: 2025-10-18. Review status: criteria provided, single submitter. Criteria: Invitae Variant Classification Sherloc (09022015). Collection method: clinical testing. Allele origin: germline.

Blueprint Genetics
Classification: Likely benign. Last evaluated: 2024-03-01. Review status: criteria provided, single submitter. Criteria: ACMG Guidelines, 2015. Collection method: clinical testing. Allele origin: germline.

Department of Pathology and Laboratory Medicine, Sinai Health System
Classification: Uncertain significance for Polymerase proofreading-related adenomatous polyposis; Familial colorectal cancer type X. Last evaluated: 2020-02-25. Review status: criteria provided, single submitter. Criteria: ACMG Guidelines, 2015. Collection method: clinical testing. Allele origin: germline. Affected: yes.

PreventionGenetics, part of Exact Sciences
Classification: Likely benign for POLE-related condition. Last evaluated: 2019-10-30. Review status: no assertion criteria provided. Collection method: clinical testing. Allele origin: germline. Not counted in ClinVar's aggregate classification.
Comment: This variant is classified as likely benign based on ACMG/AMP sequence variant interpretation guidelines (Richards et al. 2015 PMID: 25741868, with internal and published modifications).

Literature cited by the submitters: PubMed 30093976 (cited by Department of Pathology and Laboratory Medicine, Sinai Health System).

NM_006231.4(POLE):c.2469-10G>A

Gene: POLE (DNA polymerase epsilon, catalytic subunit; minus strand). Cytogenetic location: 12q24.33.
Variant type: single nucleotide variant.
Coding change: c.2469-10G>A on transcript NM_006231.4 (MANE Select); 10 bases into the intron before coding-DNA position 2469, G replaced by A.
Molecular consequence: intron variant.
Genome position (GRCh38, 1-based): chr12:132,664,472, C>T on the plus strand (G>A on the coding strand, the complement: POLE is on the minus strand). VCF-style: chr12-132664472-C-T. GRCh37 (hg19) VCF-style: chr12-133241058-C-T.
Identifiers: ClinVar variation 405844 (VCV000405844.13), dbSNP rs1060500870, ClinGen allele CA16613607.
Genomic context (GRCh38, chr12:132,664,472, plus strand): 5'-GCCCCTGTGAAGCAGACGATGCCAGCCATCTCCATGGAGTACCAGCGAGCCCTGAGAGGA[C>T]ACCACAAACTGGTGGGTGGGGCTGGCATGGCTCCTCCAGGGGGTATCAGAGGCAGTGAGG-3'